The following is an entry in ClinVar:

ClinVar aggregate classification (germline): Conflicting classifications of pathogenicity. Review status: criteria provided, conflicting classifications (1 of 4 stars). 3 submissions from 3 submitters: Uncertain significance (1); Likely benign (2). Last evaluated 2026-09-01.

gnomAD v4.1: 31 of 1,588,108 alleles (0.002%); highest among the groups gnomAD compares: South Asian, 0.029%; no homozygotes.

Submissions (3):

CeGaT Center for Human Genetics Tuebingen
Classification: Uncertain significance. Last evaluated: 2026-09-01. Review status: criteria provided, single submitter. Criteria: CeGaT Center For Human Genetics Tuebingen Variant Classification Criteria Version 2. Collection method: clinical testing. Allele origin: germline. Affected: yes. Observed: 1 variant allele.
Comment: KMT2E: PP3

Labcorp Genetics (formerly Invitae), Labcorp
Classification: Likely benign. Last evaluated: 2024-09-21. Review status: criteria provided, single submitter. Criteria: Invitae Variant Classification Sherloc (09022015). Collection method: clinical testing. Allele origin: germline.

Blueprint Genetics
Classification: Likely benign. Last evaluated: 2024-01-10. Review status: criteria provided, single submitter. Criteria: ACMG Guidelines, 2015. Collection method: clinical testing. Allele origin: germline.

NM_182931.3(KMT2E):c.3469-7G>A

Gene: KMT2E (lysine methyltransferase 2E (inactive); plus strand). Cytogenetic location: 7q22.3.
Variant type: single nucleotide variant.
Coding change: c.3469-7G>A on transcript NM_182931.3 (MANE Select); 7 bases into the intron before coding-DNA position 3469, G replaced by A.
Molecular consequence: intron variant.
Genome position (GRCh38, 1-based): chr7:105,108,935, G>A. VCF-style: chr7-105108935-G-A. GRCh37 (hg19) VCF-style: chr7-104749382-G-A.
Other names: c.3469-7G>A (NM_001410908.1, NM_018682.4).
Identifiers: ClinVar variation 3698288 (VCV003698288.4).